The following is an entry in ClinVar:

NM_015474.4(SAMHD1):c.1567A>T (p.Lys523Ter)

Gene: SAMHD1 (SAM and HD domain containing deoxynucleoside triphosphate triphosphohydrolase 1; minus strand). Cytogenetic location: 20q11.23.
Variant type: single nucleotide variant.
Coding change: c.1567A>T on transcript NM_015474.4 (MANE Select); coding-DNA position 1567, A replaced by T.
Protein change: p.Lys523Ter; replaces lysine 523 with a stop codon.
Molecular consequence: nonsense. On other transcripts: intron variant (1).
Genome position (GRCh38, 1-based): chr20:36,898,481, T>A on the plus strand (A>T on the coding strand, the complement: SAMHD1 is on the minus strand). VCF-style: chr20-36898481-T-A. GRCh37 (hg19) VCF-style: chr20-35526884-T-A.
Other names: c.1567A>T, p.Lys523Ter (NM_001363733.2); c.1504-522A>T (NM_001363729.2); short protein forms K523*.
Identifiers: ClinVar variation 1071571 (VCV001071571.9), dbSNP rs1601113209, ClinGen allele CA408840187.
Genomic context (GRCh38, chr20:36,898,481, plus strand): 5'-GTTTTGCCTAAGTAGTTACCTGGTTTTTAGTAATCCTGATTGCTCTGTTGGGGGCAGTCT[T>A]ACAATAGAAGCTAACATGATCAATTGGATTCTTTTCTTGCATTCCATAATCCATGTTGAT-3'

ClinVar aggregate classification (germline): Pathogenic (1 of 4 stars; one submission).

Conditions:
Aicardi-Goutieres syndrome 5. Identifiers: Orphanet 51, MedGen C2749659, MONDO:0013059, OMIM 612952.

Allele frequency attached by ClinVar (database versions not stated): gnomAD exomes below 0.00001; gnomAD 0.00001.
gnomAD v4.1: 2 of 1,613,980 alleles (0.00012%); highest among the groups gnomAD compares: East Asian, 0.0045%; no homozygotes.

Submission:

Labcorp Genetics (formerly Invitae), Labcorp
Classification: Pathogenic for Aicardi-Goutieres syndrome 5. Last evaluated: 2020-03-16. Review status: criteria provided, single submitter. Criteria: Invitae Variant Classification Sherloc (09022015). Collection method: clinical testing. Allele origin: germline.
Comment: For these reasons, this variant has been classified as Pathogenic. Loss-of-function variants in SAMHD1 are known to be pathogenic (PMID: 19525956, 22461318). This variant has been observed in individual(s) with Aicardi-Goutières syndrome (PMID: 24300241). This variant is not present in population databases (ExAC no frequency). This sequence change creates a premature translational stop signal (p.Lys523*) in the SAMHD1 gene. It is expected to result in an absent or disrupted protein product.

Literature cited by the submitters: PubMed 19525956; PubMed 22461318; PubMed 24300241.